The following is an entry in ClinVar:

NM_002439.5(MSH3):c.2263G>C (p.Glu755Gln)

Gene: MSH3 (mutS homolog 3; plus strand). Cytogenetic location: 5q14.1.
Variant type: single nucleotide variant.
Coding change: c.2263G>C on transcript NM_002439.5 (MANE Select); coding-DNA position 2263, G replaced by C.
Protein change: p.Glu755Gln; replaces glutamic acid 755 with glutamine.
Molecular consequence: missense variant.
Genome position (GRCh38, 1-based): chr5:80,775,703, G>C. VCF-style: chr5-80775703-G-C. GRCh37 (hg19) VCF-style: chr5-80071522-G-C.
Other names: short protein forms E755Q.
Identifiers: ClinVar variation 1004312 (VCV001004312.10), dbSNP rs1237452188, ClinGen allele CA360280709.

ClinVar aggregate classification (germline): Uncertain significance. Review status: criteria provided, multiple submitters, no conflicts (2 of 4 stars). 3 submissions from 3 submitters: Uncertain significance (3). Last evaluated 2025-11-05.

Conditions:
Hereditary cancer-predisposing syndrome. Also called: Hereditary neoplastic syndrome; Neoplastic Syndromes, Hereditary; Tumor predisposition; Hereditary Cancer Syndrome. Identifiers: Orphanet 140162, MedGen C0027672, MeSH D009386, MONDO:0015356.
Endometrial carcinoma. Also called: Endometrial carcinoma, somatic. Identifiers: MedGen C0476089, MONDO:0002447, OMIM 608089, HP:0012114.

Allele frequency attached by ClinVar (database versions not stated): gnomAD exomes below 0.00001.
gnomAD v4.1: 3 of 1,546,266 alleles (0.00019%); highest among the groups gnomAD compares: Non-Finnish European, 0.00027%; no homozygotes.

Submissions (3):

Ambry Genetics
Classification: Uncertain significance for Hereditary cancer-predisposing syndrome. Last evaluated: 2025-11-05. Review status: criteria provided, single submitter. Criteria: Ambry Variant Classification Scheme 2023. Collection method: clinical testing. Allele origin: germline.
Comment: The p.E755Q variant (also known as c.2263G>C), located in coding exon 16 of the MSH3 gene, results from a G to C substitution at nucleotide position 2263. The glutamic acid at codon 755 is replaced by glutamine, an amino acid with highly similar properties. This amino acid position is highly conserved in available vertebrate species. In addition, the in silico prediction for this alteration is inconclusive. Since supporting evidence is limited at this time, the clinical significance of this alteration remains unclear.

Labcorp Genetics (formerly Invitae), Labcorp
Classification: Uncertain significance. Last evaluated: 2023-08-17. Review status: criteria provided, single submitter. Criteria: Invitae Variant Classification Sherloc (09022015). Collection method: clinical testing. Allele origin: germline.
Comment: In summary, the available evidence is currently insufficient to determine the role of this variant in disease. Therefore, it has been classified as a Variant of Uncertain Significance. This sequence change replaces glutamic acid, which is acidic and polar, with glutamine, which is neutral and polar, at codon 755 of the MSH3 protein (p.Glu755Gln). This variant is present in population databases (no rsID available, gnomAD 0.0009%). This variant has not been reported in the literature in individuals affected with MSH3-related conditions. ClinVar contains an entry for this variant (Variation ID: 1004312). An algorithm developed to predict the effect of missense changes on protein structure and function (PolyPhen-2) suggests that this variant is likely to be disruptive.

Baylor Genetics
Classification: Uncertain significance for Endometrial carcinoma. Last evaluated: 2023-06-09. Review status: criteria provided, single submitter. Criteria: ACMG Guidelines, 2015. Collection method: clinical testing. Allele origin: unknown.